The following is an entry in ClinVar:

ClinVar aggregate classification (germline): Pathogenic (1 of 4 stars; one submission).

Submission:

Labcorp Genetics (formerly Invitae), Labcorp
Classification: Pathogenic. Last evaluated: 2024-11-19. Review status: criteria provided, single submitter. Criteria: Invitae Variant Classification Sherloc (09022015). Collection method: clinical testing. Allele origin: germline.
Comment: This sequence change creates a premature translational stop signal (p.Gly87Cysfs*13) in the LARP7 gene. It is expected to result in an absent or disrupted protein product. Loss-of-function variants in LARP7 are known to be pathogenic (PMID: 22865833, 26374271, 26607181). This variant is not present in population databases (gnomAD no frequency). This variant has not been reported in the literature in individuals affected with LARP7-related conditions. For these reasons, this variant has been classified as Pathogenic.

Literature cited by the submitters: PubMed 22865833; PubMed 26374271; PubMed 26607181.

NM_016648.4(LARP7):c.259_269del (p.Gly87fs)

Gene: LARP7 (La ribonucleoprotein 7, transcriptional regulator; plus strand). Cytogenetic location: 4q25.
Variant type: Deletion.
Coding change: c.259_269del on transcript NM_016648.4 (MANE Select); coding-DNA positions 259 to 269, 11 bases deleted (GGGAAGTTAAT).
Protein change: p.Gly87fs; shifts the reading frame from glycine 87.
Molecular consequence: frameshift variant.
Genome position (GRCh38, 1-based): chr4:112,646,407-112,646,417, GGGAAGTTAAT deleted; deleting any 11 consecutive bases within chr4:112,646,405-112,646,417 gives the same sequence; the c. name uses the placement nearest the transcript's 3' end. VCF-style (leftmost placement, unchanged base first): chr4-112646404-GATGGGAAGTTA-G. GRCh37 (hg19) VCF-style: chr4-113567560-GATGGGAAGTTA-G.
Other names: c.259_269del, p.Gly87fs (NM_001267039.4, NM_001370974.1, NM_001370975.1 and 6 more transcripts); c.22_32del, p.Gly8fs (NM_001370981.1, NM_001370982.1); short protein forms G87fs, G8fs.
Identifiers: ClinVar variation 3725577 (VCV003725577.2).